The following is an entry in ClinVar:

NM_021927.3(GUF1):c.1916A>G (p.Gln639Arg)

Gene: GUF1 (GTP binding elongation factor GUF1; plus strand). Cytogenetic location: 4p12.
Variant type: single nucleotide variant.
Coding change: c.1916A>G on transcript NM_021927.3 (MANE Select); coding-DNA position 1916, A replaced by G.
Protein change: p.Gln639Arg; replaces glutamine 639 with arginine.
Molecular consequence: missense variant.
Genome position (GRCh38, 1-based): chr4:44,698,587, A>G. VCF-style: chr4-44698587-A-G. GRCh37 (hg19) VCF-style: chr4-44700604-A-G.
Other names: c.944A>G, p.Gln315Arg (NM_001345867.2, NM_001345869.2); c.1796A>G, p.Gln599Arg (NM_001345868.2); short protein forms Q315R, Q639R, Q599R.
Identifiers: ClinVar variation 1516367 (VCV001516367.8), dbSNP rs1715997741, ClinGen allele CA356765486.
Genomic context (GRCh38, chr4:44,698,587, plus strand): 5'-TTTAAAATATTTTTCAGTATGGTGGTGATATTACCCGAAAAATGAAGCTTTTGAAGAGAC[A>G]AGCAGAAGGGAAAAAAAAGCTGAGGAAAATTGGCAACGTTGAAGTTCCAAAAGATGCTTT-3'
Protein context (NP_068746.2, residues 629-649): ITRKMKLLKR[Gln639Arg]AEGKKKLRKI

ClinVar aggregate classification (germline): Uncertain significance (1 of 4 stars; one submission).

Allele frequency attached by ClinVar (database versions not stated): TOPMed below 0.00001; gnomAD exomes 0.00001.
gnomAD v4.1: 7 of 1,608,448 alleles (0.00044%); highest among the groups gnomAD compares: Non-Finnish European, 0.00059%; no homozygotes.

Submission:

Labcorp Genetics (formerly Invitae), Labcorp
Classification: Uncertain significance. Last evaluated: 2024-02-19. Review status: criteria provided, single submitter. Criteria: Invitae Variant Classification Sherloc (09022015). Collection method: clinical testing. Allele origin: germline.
Comment: This sequence change replaces glutamine, which is neutral and polar, with arginine, which is basic and polar, at codon 639 of the GUF1 protein (p.Gln639Arg). This variant is not present in population databases (gnomAD no frequency). This variant has not been reported in the literature in individuals affected with GUF1-related conditions. ClinVar contains an entry for this variant (Variation ID: 1516367). An algorithm developed to predict the effect of missense changes on protein structure and function (PolyPhen-2) suggests that this variant is likely to be disruptive. In summary, the available evidence is currently insufficient to determine the role of this variant in disease. Therefore, it has been classified as a Variant of Uncertain Significance.